The following is an entry in ClinVar:

ClinVar aggregate classification (germline): Conflicting classifications of pathogenicity. Review status: criteria provided, conflicting classifications (1 of 4 stars). 2 submissions from 2 submitters: Pathogenic (1); Uncertain significance (1). Last evaluated 2026-10-06.

Conditions:
Familial renal glucosuria (GLYS). Also called: RENAL GLUCOSURIA, AUTOSOMAL DOMINANT; Familial renal glycosuria. Identifiers: Orphanet 69076, MedGen C3245525, MONDO:0009297, OMIM 233100.

gnomAD v4.1: 41 of 1,609,288 alleles (0.0025%); highest among the groups gnomAD compares: Admixed American, 0.0033%; no homozygotes.

Submissions (2):

MVZ Medizinische Genetik Mainz
Classification: Pathogenic for Familial renal glucosuria. Last evaluated: 2026-10-06. Review status: criteria provided, single submitter. Criteria: UK Practice Guidelines For Variant Classification V4 01 2020. Collection method: clinical testing. Allele origin: germline. Inheritance: Autosomal recessive inheritance. Affected: yes. Observed: 2 variant alleles.
Comment: ACMG Criteria: PP3_STR,PS4_MOD,PM5,PM2_SUP,PP4

Fulgent Genetics
Classification: Uncertain significance for Familial renal glucosuria. Last evaluated: 2024-06-21. Review status: criteria provided, single submitter. Criteria: ACMG Guidelines, 2015. Collection method: clinical testing. Allele origin: germline.

NM_003041.4(SLC5A2):c.1475G>T (p.Gly492Val)

Gene: SLC5A2 (solute carrier family 5 member 2; plus strand). Cytogenetic location: 16p11.2.
Variant type: single nucleotide variant.
Coding change: c.1475G>T on transcript NM_003041.4 (MANE Select); coding-DNA position 1475, G replaced by T.
Protein change: p.Gly492Val; replaces glycine 492 with valine.
Molecular consequence: missense variant. On other transcripts: non-coding transcript variant (1).
Genome position (GRCh38, 1-based): chr16:31,489,148, G>T. VCF-style: chr16-31489148-G-T. GRCh37 (hg19) VCF-style: chr16-31500469-G-T.
Other names: short protein forms G492V.
Identifiers: ClinVar variation 3580349 (VCV003580349.3).